The following is an entry in ClinVar:

NM_001204.7(BMPR2):c.91G>T (p.Glu31Ter)

Gene: BMPR2 (bone morphogenetic protein receptor type 2; plus strand). Cytogenetic location: 2q33.1.
Variant type: single nucleotide variant.
Coding change: c.91G>T on transcript NM_001204.7 (MANE Select); coding-DNA position 91, G replaced by T.
Protein change: p.Glu31Ter; replaces glutamic acid 31 with a stop codon.
Molecular consequence: nonsense.
Genome position (GRCh38, 1-based): chr2:202,464,823, G>T. VCF-style: chr2-202464823-G-T. GRCh37 (hg19) VCF-style: chr2-203329546-G-T.
Other names: c.91G>T, p.E31* (LRG_712t1); short protein forms E31*.
Identifiers: ClinVar variation 425701 (VCV000425701.4), dbSNP rs1085307162, ClinGen allele CA350399005.

ClinVar aggregate classification (germline): Pathogenic. Review status: criteria provided, single submitter (1 of 4 stars). 2 submissions from 2 submitters: Pathogenic (1). 1 of the submissions does not count toward it. Last evaluated 2023-01-19.

Conditions:
Pulmonary hypertension, primary, 1 (PPH1). Also called: Pulmonary hypertension, familial primary, 1, with or without HHT. Identifiers: Orphanet 422, MedGen C4552070, MONDO:0024533, OMIM 178600.
Primary pulmonary hypertension. Also called: Idiopathic pulmonary hypertension. Identifiers: MedGen C0152171.

Submissions (2):

Labcorp Genetics (formerly Invitae), Labcorp
Classification: Pathogenic for Primary pulmonary hypertension. Last evaluated: 2023-01-19. Review status: criteria provided, single submitter. Criteria: Invitae Variant Classification Sherloc (09022015). Collection method: clinical testing. Allele origin: germline.
Comment: ClinVar contains an entry for this variant (Variation ID: 425701). For these reasons, this variant has been classified as Pathogenic. This premature translational stop signal has been observed in individual(s) with sporadic idiopathic pulmonary arterial hypertension (PMID: 15591269). This variant is not present in population databases (gnomAD no frequency). This sequence change creates a premature translational stop signal (p.Glu31*) in the BMPR2 gene. It is expected to result in an absent or disrupted protein product. Loss-of-function variants in BMPR2 are known to be pathogenic (PMID: 16429395).

Rare Disease Genomics Group, St George's University of London
Classification: Pathogenic for Primary pulmonary hypertension. Review status: no assertion criteria provided. Collection method: literature only. Allele origin: germline. Affected: yes. Not counted in ClinVar's aggregate classification.

Literature cited by the submitters: PubMed 15591269 (cited by Labcorp Genetics (formerly Invitae), Labcorp and Rare Disease Genomics Group, St George's University of London); PubMed 16429395 (cited by Labcorp Genetics (formerly Invitae), Labcorp); PubMed 21801371 (cited by Rare Disease Genomics Group, St George's University of London).